The following is an entry in ClinVar:

NM_005502.4(ABCA1):c.3515A>G (p.Glu1172Gly)

Gene: ABCA1 (ATP binding cassette subfamily A member 1; minus strand). Cytogenetic location: 9q31.1.
Variant type: single nucleotide variant.
Coding change: c.3515A>G on transcript NM_005502.4 (MANE Select); coding-DNA position 3515, A replaced by G.
Protein change: p.Glu1172Gly; replaces glutamic acid 1172 with glycine.
Molecular consequence: missense variant.
Genome position (GRCh38, 1-based): chr9:104,817,352, T>C on the plus strand (A>G on the coding strand, the complement: ABCA1 is on the minus strand). VCF-style: chr9-104817352-T-C. GRCh37 (hg19) VCF-style: chr9-107579633-T-C.
Other names: p.Glu1172Gly; short protein forms E1172G.
Identifiers: ClinVar variation 1646306 (VCV001646306.14), dbSNP rs142877738, ClinGen allele CA5168419.

ClinVar aggregate classification (germline): Benign/Likely benign. Review status: criteria provided, multiple submitters, no conflicts (2 of 4 stars). 6 submissions from 6 submitters: Benign (5); Likely benign (1). Last evaluated 2025-12-21.

Conditions:
ABCA1-related disorder. Also called: ABCA1-related disorders; ABCA1-related condition. Identifiers: MedGen CN239173.
Cardiovascular phenotype. Identifiers: MedGen CN230736.

Allele frequency attached by ClinVar (database versions not stated): gnomAD 0.00003 and 0.00029; TOPMed 0.00006; ESP Exome Variant Server 0.00008; gnomAD exomes 0.00066 and 0.00124; ExAC 0.00133; 1000 Genomes Project 0.00220; 1000 Genomes Project 30x 0.00250.
gnomAD v4.1: 1,012 of 1,614,120 alleles (0.063%); highest among the groups gnomAD compares: South Asian, 0.94%; 13 homozygotes.

Submissions (6):

Labcorp Genetics (formerly Invitae), Labcorp
Classification: Benign. Last evaluated: 2025-12-21. Review status: criteria provided, single submitter. Criteria: Invitae Variant Classification Sherloc (09022015). Collection method: clinical testing. Allele origin: germline.

PreventionGenetics, part of Exact Sciences
Classification: Benign for ABCA1-related condition. Last evaluated: 2025-09-24. Review status: criteria provided, single submitter. Criteria: ACMG Guidelines, 2015. Collection method: clinical testing. Allele origin: germline.
Comment: This variant is classified as benign based on ACMG/AMP sequence variant interpretation guidelines (Richards et al. 2015 PMID: 25741868, with internal and published modifications).

Mayo Clinic Laboratories, Mayo Clinic
Classification: Benign. Last evaluated: 2025-05-12. Review status: criteria provided, single submitter. Criteria: ACMG Guidelines, 2015. Collection method: clinical testing. Allele origin: germline. Observed: 1 variant allele.
Comment: BA1, BS2, BP4

Women's Health and Genetics/Laboratory Corporation of America, LabCorp
Classification: Benign. Last evaluated: 2022-12-12. Review status: criteria provided, single submitter. Criteria: LabCorp Variant Classification Summary - May 2015. Collection method: clinical testing. Allele origin: germline.
Comment: Variant summary: ABCA1 c.3515A>G (p.Glu1172Gly) results in a non-conservative amino acid change in the encoded protein sequence. Three of five in-silico tools predict a benign effect of the variant on protein function. The variant allele was found at a frequency of 0.0012 in 251476 control chromosomes, predominantly at a frequency of 0.0095 within the South Asian subpopulation in the gnomAD database, including 4 homozygotes. The observed variant frequency within South Asian control individuals in the gnomAD database is approximately 760 fold of the estimated maximal expected allele frequency for a pathogenic variant in ABCA1 causing Early Onset Coronary Artery Disease phenotype (1.3e-05) and approximately 4 fold of the estimated maximal expected allele frequency for a pathogenic variant in ABCA1 causing Tangier Disease phenotype (0.0025), strongly suggesting that the variant is a benign polymorphism found primarily in populations of South Asian origin. To our knowledge, no penetrant association of c.3515A>G has been reported in the literature in individuals affected with ABCA1-related disorders and no experimental evidence demonstrating an impact on protein function has been reported. Two clinical diagnostic laboratories have submitted clinical-significance assessments for this variant to ClinVar after 2014 without evidence for independent evaluation. Both laboratories classified the variant as either benign (n=1) or likely benign (n=1). Based on the evidence outlined above, the variant was classified as benign.

Ambry Genetics
Classification: Likely benign for Cardiovascular phenotype. Last evaluated: 2021-05-27. Review status: criteria provided, single submitter. Criteria: Ambry Variant Classification Scheme 2023. Collection method: clinical testing. Allele origin: germline.

Breakthrough Genomics
Classification: Benign. Review status: criteria provided, single submitter. Criteria: ACMG Guidelines, 2015. Collection method: not provided. Allele origin: germline. Inheritance: Autosomal recessive inheritance. Affected: yes.

Literature cited by the submitters: PubMed 25215231 (cited by Mayo Clinic Laboratories, Mayo Clinic); PubMed 23139370 (cited by Women's Health and Genetics/Laboratory Corporation of America, LabCorp and Ambry Genetics); PubMed 26350511 (cited by Women's Health and Genetics/Laboratory Corporation of America, LabCorp and Ambry Genetics); PubMed 32044282 (cited by Women's Health and Genetics/Laboratory Corporation of America, LabCorp).